The following is an entry in ClinVar:

ClinVar aggregate classification (germline): Likely benign (1 of 4 stars; one submission).

Allele frequency attached by ClinVar (database versions not stated): 1000 Genomes Project 30x 0.00750.

Submission:

GeneDx
Classification: Likely benign. Last evaluated: 2021-12-20. Review status: criteria provided, single submitter. Criteria: GeneDx Variant Classification Process June 2021. Collection method: clinical testing. Allele origin: germline. Affected: yes.
Comment: See Variant Classification Assertion Criteria.

NM_001114748.2(TMEM240):c.-175C>T

Gene: TMEM240 (transmembrane protein 240; minus strand). Cytogenetic location: 1p36.33.
Variant type: single nucleotide variant.
Coding change: c.-175C>T on transcript NM_001114748.2 (MANE Select); 175 bases upstream of the start codon, C replaced by T.
Genome position (GRCh38, 1-based): chr1:1,540,521, G>A on the plus strand (C>T on the coding strand, the complement: TMEM240 is on the minus strand). VCF-style: chr1-1540521-G-A. GRCh37 (hg19) VCF-style: chr1-1475901-G-A.
Identifiers: ClinVar variation 1691800 (VCV001691800.2), dbSNP rs868703818, ClinGen allele CA16802939.